The following is an entry in ClinVar:

NM_005559.4(LAMA1):c.3215G>A (p.Arg1072Gln)

Gene: LAMA1 (laminin subunit alpha 1; minus strand). Cytogenetic location: 18p11.31.
Variant type: single nucleotide variant.
Coding change: c.3215G>A on transcript NM_005559.4 (MANE Select); coding-DNA position 3215, G replaced by A.
Protein change: p.Arg1072Gln; replaces arginine 1072 with glutamine.
Molecular consequence: missense variant.
Genome position (GRCh38, 1-based): chr18:7,013,963, C>T on the plus strand (G>A on the coding strand, the complement: LAMA1 is on the minus strand). VCF-style: chr18-7013963-C-T. GRCh37 (hg19) VCF-style: chr18-7013962-C-T.
Other names: short protein forms R1072Q.
Identifiers: ClinVar variation 808350 (VCV000808350.47), dbSNP rs118089415, ClinGen allele CA8882351.

ClinVar aggregate classification (germline): Conflicting classifications of pathogenicity. Review status: criteria provided, conflicting classifications (1 of 4 stars). 3 submissions from 3 submitters: Uncertain significance (2); Likely benign (1). Last evaluated 2024-12-02.

Allele frequency attached by ClinVar (database versions not stated): TOPMed 0.00006; 1000 Genomes Project 0.00040; 1000 Genomes Project 30x 0.00047.
gnomAD v4.1: 150 of 1,613,852 alleles (0.0093%); highest among the groups gnomAD compares: Admixed American, 0.018%; no homozygotes.

Submissions (3):

Labcorp Genetics (formerly Invitae), Labcorp
Classification: Uncertain significance. Last evaluated: 2024-12-02. Review status: criteria provided, single submitter. Criteria: Invitae Variant Classification Sherloc (09022015). Collection method: clinical testing. Allele origin: germline.
Comment: This sequence change replaces arginine, which is basic and polar, with glutamine, which is neutral and polar, at codon 1072 of the LAMA1 protein (p.Arg1072Gln). This variant is present in population databases (rs118089415, gnomAD 0.02%). This variant has not been reported in the literature in individuals affected with LAMA1-related conditions. ClinVar contains an entry for this variant (Variation ID: 808350). Invitae Evidence Modeling of protein sequence and biophysical properties (such as structural, functional, and spatial information, amino acid conservation, physicochemical variation, residue mobility, and thermodynamic stability) indicates that this missense variant is not expected to disrupt LAMA1 protein function with a negative predictive value of 80%. In summary, the available evidence is currently insufficient to determine the role of this variant in disease. Therefore, it has been classified as a Variant of Uncertain Significance.

Blueprint Genetics
Classification: Likely benign. Last evaluated: 2023-05-05. Review status: criteria provided, single submitter. Criteria: ACMG Guidelines, 2015. Collection method: clinical testing. Allele origin: germline.

CeGaT Center for Human Genetics Tuebingen
Classification: Uncertain significance. Last evaluated: 2018-11-01. Review status: criteria provided, single submitter. Criteria: CeGaT Center For Human Genetics Tuebingen Variant Classification Criteria Version 2. Collection method: clinical testing. Allele origin: germline. Affected: yes. Observed: 3 variant alleles.